The following is an entry in ClinVar:

ClinVar aggregate classification (germline): Pathogenic (1 of 4 stars; one submission).

Submission:

Labcorp Genetics (formerly Invitae), Labcorp
Classification: Pathogenic. Last evaluated: 2023-12-09. Review status: criteria provided, single submitter. Criteria: Invitae Variant Classification Sherloc (09022015). Collection method: clinical testing. Allele origin: germline.
Comment: This sequence change creates a premature translational stop signal (p.Ser60*) in the EPS8 gene. It is expected to result in an absent or disrupted protein product. Loss-of-function variants in EPS8 are known to be pathogenic (PMID: 24741995). This variant is not present in population databases (gnomAD no frequency). This variant has not been reported in the literature in individuals affected with EPS8-related conditions. For these reasons, this variant has been classified as Pathogenic.

Literature cited by the submitters: PubMed 24741995.

NM_004447.6(EPS8):c.179C>G (p.Ser60Ter)

Gene: EPS8 (EGFR pathway substrate 8, signaling adaptor; minus strand). Cytogenetic location: 12p12.3.
Variant type: single nucleotide variant.
Coding change: c.179C>G on transcript NM_004447.6 (MANE Select); coding-DNA position 179, C replaced by G.
Protein change: p.Ser60Ter; replaces serine 60 with a stop codon.
Molecular consequence: nonsense. On other transcripts: 5 prime UTR variant (3), non-coding transcript variant (3).
Genome position (GRCh38, 1-based): chr12:15,670,881, G>C on the plus strand (C>G on the coding strand, the complement: EPS8 is on the minus strand). VCF-style: chr12-15670881-G-C. GRCh37 (hg19) VCF-style: chr12-15823815-G-C.
Other names: c.179C>G, p.Ser60Ter (NM_001413831.1, NM_001413832.1, NM_001413833.1 and 3 more transcripts); c.-62C>G (NM_001413835.1, NM_001413836.1); c.-243C>G (NM_001413837.1); short protein forms S60*.
Identifiers: ClinVar variation 2701594 (VCV002701594.3), dbSNP rs2540431049, ClinGen allele CA384034810.
Genomic context (GRCh38, chr12:15,670,881, plus strand): 5'-CACTCTAAATACTAGCAAACACCAAAGCATCTTACTTCAACACGGTATTGAGATATATCT[G>C]ACACACTGCTGACACTGTCCCGTGCATAATTCTTCCTTTGTTCTGAAAGAGAAATTGAAA-3'